The following is an entry in ClinVar:

NM_017999.5(RNF31):c.1058G>A (p.Arg353Gln)

Gene: RNF31 (ring finger protein 31; plus strand). Cytogenetic location: 14q12.
Variant type: single nucleotide variant.
Coding change: c.1058G>A on transcript NM_017999.5 (MANE Select); coding-DNA position 1058, G replaced by A.
Protein change: p.Arg353Gln; replaces arginine 353 with glutamine.
Molecular consequence: missense variant.
Genome position (GRCh38, 1-based): chr14:24,150,309, G>A. VCF-style: chr14-24150309-G-A. GRCh37 (hg19) VCF-style: chr14-24619518-G-A.
Other names: c.605G>A, p.Arg202Gln (NM_001310332.2); short protein forms R353Q, R202Q.
Identifiers: ClinVar variation 1347998 (VCV001347998.7), dbSNP rs566178589, ClinGen allele CA7125690.
Genomic context (GRCh38, chr14:24,150,309, plus strand): 5'-GGTTGGGAACTGAGGGTCCCCAAGGAACTGGAGGCCTAGAACCTGATCTTGCACGGGGTC[G>A]GTGGGCCTGCCAGAGCTGTACCTTTGAGAATGAGGCAGCTGCTGTGCTATGTTCCATATG-3'
Protein context (NP_060469.4, residues 343-363): GGLEPDLARG[Arg353Gln]WACQSCTFEN

ClinVar aggregate classification (germline): Conflicting classifications of pathogenicity. Review status: criteria provided, conflicting classifications (1 of 4 stars). 2 submissions from 2 submitters: Uncertain significance (1); Likely benign (1). Last evaluated 2025-08-30.

Allele frequency attached by ClinVar (database versions not stated): gnomAD 0.00009 and 0.00012; gnomAD exomes 0.00014 and 0.00015; TOPMed 0.00014; ExAC 0.00016; 1000 Genomes Project 0.00060; 1000 Genomes Project 30x 0.00062.
gnomAD v4.1: 215 of 1,614,176 alleles (0.013%); highest among the groups gnomAD compares: East Asian, 0.2%; no homozygotes.

Submissions (2):

Labcorp Genetics (formerly Invitae), Labcorp
Classification: Uncertain significance. Last evaluated: 2025-08-30. Review status: criteria provided, single submitter. Criteria: Invitae Variant Classification Sherloc (09022015). Collection method: clinical testing. Allele origin: germline.
Comment: This sequence change replaces arginine, which is basic and polar, with glutamine, which is neutral and polar, at codon 353 of the RNF31 protein (p.Arg353Gln). This variant is present in population databases (rs566178589, gnomAD 0.2%), and has an allele count higher than expected for a pathogenic variant. This variant has not been reported in the literature in individuals affected with RNF31-related conditions. ClinVar contains an entry for this variant (Variation ID: 1347998). An algorithm developed to predict the effect of missense changes on protein structure and function outputs the following: PolyPhen-2: "Benign". The glutamine amino acid residue is found in multiple mammalian species, which suggests that this missense change does not adversely affect protein function. Algorithms developed to predict the effect of sequence changes on RNA splicing suggest that this variant may create or strengthen a splice site. In summary, the available evidence is currently insufficient to determine the role of this variant in disease. Therefore, it has been classified as a Variant of Uncertain Significance.

Blueprint Genetics
Classification: Likely benign. Last evaluated: 2024-10-11. Review status: criteria provided, single submitter. Criteria: ACMG Guidelines, 2015. Collection method: clinical testing. Allele origin: germline.